The following is an entry in ClinVar:

ClinVar aggregate classification (germline): Uncertain significance (1 of 4 stars; one submission).

Conditions:
Congenital disorder of glycosylation, type Iaa. Also called: Congenital disorder of glycosylation, type 1aa. Identifiers: MedGen C4310727, MONDO:0014904, OMIM 617082.

Submission:

Labcorp Genetics (formerly Invitae), Labcorp
Classification: Uncertain significance for Congenital disorder of glycosylation, type Iaa. Last evaluated: 2022-01-17. Review status: criteria provided, single submitter. Criteria: Invitae Variant Classification Sherloc (09022015). Collection method: clinical testing. Allele origin: germline.
Comment: In summary, the available evidence is currently insufficient to determine the role of this variant in disease. Therefore, it has been classified as a Variant of Uncertain Significance. Variants that disrupt the consensus splice site are a relatively common cause of aberrant splicing (PMID: 17576681, 9536098). Algorithms developed to predict the effect of sequence changes on RNA splicing suggest that this variant may disrupt the consensus splice site. Algorithms developed to predict the effect of missense changes on protein structure and function are either unavailable or do not agree on the potential impact of this missense change (SIFT: "Tolerated"; PolyPhen-2: "Probably Damaging"; Align-GVGD: "Class C0"). This variant has not been reported in the literature in individuals affected with NUS1-related conditions. This variant is not present in population databases (gnomAD no frequency). This sequence change replaces glycine, which is neutral and non-polar, with serine, which is neutral and polar, at codon 139 of the NUS1 protein (p.Gly139Ser). This variant also falls at the last nucleotide of exon 1, which is part of the consensus splice site for this exon.

Literature cited by the submitters: PubMed 17576681; PubMed 9536098.

NM_138459.5(NUS1):c.415G>A (p.Gly139Ser)

Gene: NUS1 (NUS1 dehydrodolichyl diphosphate synthase subunit; plus strand). Cytogenetic location: 6q22.1.
Variant type: single nucleotide variant.
Coding change: c.415G>A on transcript NM_138459.5 (MANE Select); coding-DNA position 415, G replaced by A.
Protein change: p.Gly139Ser; replaces glycine 139 with serine.
Molecular consequence: missense variant.
Genome position (GRCh38, 1-based): chr6:117,676,085, G>A. VCF-style: chr6-117676085-G-A. GRCh37 (hg19) VCF-style: chr6-117997248-G-A.
Other names: short protein forms G139S.
Identifiers: ClinVar variation 2086583 (VCV002086583.4), dbSNP rs2481983998, ClinGen allele CA365536580.
Genomic context (GRCh38, chr6:117,676,085, plus strand): 5'-AGCCTCGTGGTGTGGTGTATGGCCGTGGGCATCTCCTACATTAGCGTCTACGACCACCAA[G>A]GTGAGGCCCGGTGCGGTGGTGGGGGGTGGCCGAGGCGTCTTGGACCGCTAGACCGCTGGT-3'
Protein context (NP_612468.1, residues 129-149): ISYISVYDHQ[Gly139Ser]IFKRNNSRLM